The following is an entry in ClinVar:

ClinVar aggregate classification (germline): Uncertain significance (1 of 4 stars; one submission).

Submission:

Labcorp Genetics (formerly Invitae), Labcorp
Classification: Uncertain significance. Last evaluated: 2024-06-13. Review status: criteria provided, single submitter. Criteria: Invitae Variant Classification Sherloc (09022015). Collection method: clinical testing. Allele origin: germline.
Comment: This sequence change replaces valine, which is neutral and non-polar, with phenylalanine, which is neutral and non-polar, at codon 209 of the BMP2 protein (p.Val209Phe). This variant is not present in population databases (gnomAD no frequency). This variant has not been reported in the literature in individuals affected with BMP2-related conditions. An algorithm developed to predict the effect of missense changes on protein structure and function (PolyPhen-2) suggests that this variant is likely to be disruptive. In summary, the available evidence is currently insufficient to determine the role of this variant in disease. Therefore, it has been classified as a Variant of Uncertain Significance.

NM_001200.4(BMP2):c.625G>T (p.Val209Phe)

Gene: BMP2 (bone morphogenetic protein 2; plus strand). Cytogenetic location: 20p12.3.
Variant type: single nucleotide variant.
Coding change: c.625G>T on transcript NM_001200.4 (MANE Select); coding-DNA position 625, G replaced by T.
Protein change: p.Val209Phe; replaces valine 209 with phenylalanine.
Molecular consequence: missense variant.
Genome position (GRCh38, 1-based): chr20:6,778,523, G>T. VCF-style: chr20-6778523-G-T. GRCh37 (hg19) VCF-style: chr20-6759170-G-T.
Other names: short protein forms V209F.
Identifiers: ClinVar variation 3656601 (VCV003656601.2).